The following is an entry in ClinVar:

NM_000478.6(ALPL):c.571G>T (p.Glu191Ter)

Gene: ALPL (alkaline phosphatase, biomineralization associated; plus strand). Cytogenetic location: 1p36.12.
Variant type: single nucleotide variant.
Coding change: c.571G>T on transcript NM_000478.6 (MANE Select); coding-DNA position 571, G replaced by T.
Protein change: p.Glu191Ter; replaces glutamic acid 191 with a stop codon.
Molecular consequence: nonsense.
Genome position (GRCh38, 1-based): chr1:21,564,139, G>T. VCF-style: chr1-21564139-G-T. GRCh37 (hg19) VCF-style: chr1-21890632-G-T.
Other names: c.406G>T, p.Glu136Ter (NM_001127501.4); c.340G>T, p.Glu114Ter (NM_001177520.3); c.571G>T, p.Glu191Ter (NM_001369803.2, NM_001369804.2, NM_001369805.2); short protein forms E114*, E136*, E191*.
Identifiers: ClinVar variation 931472 (VCV000931472.3), dbSNP rs121918007, ClinGen allele CA338878096.

ClinVar aggregate classification (germline): Pathogenic (1 of 4 stars; one submission).

Conditions:
Adult hypophosphatasia. Identifiers: Orphanet 247676, Orphanet 436, MedGen C0268413, MONDO:1010154, OMIM 146300, MONDO:0007798.

Submission:

Centre for Mendelian Genomics, University Medical Centre Ljubljana
Classification: Pathogenic for Adult hypophosphatasia. Last evaluated: 2019-04-03. Review status: criteria provided, single submitter. Criteria: ACMG Guidelines, 2015. Collection method: clinical testing. Allele origin: unknown. Affected: yes.
Comment: This variant was classified as: Pathogenic. The following ACMG criteria were applied in classifying this variant: PVS1,PS1,PM2.